The following is an entry in ClinVar:

ClinVar aggregate classification (germline): Uncertain significance (1 of 4 stars; one submission).

Submission:

Labcorp Genetics (formerly Invitae), Labcorp
Classification: Uncertain significance. Last evaluated: 2023-08-17. Review status: criteria provided, single submitter. Criteria: Invitae Variant Classification Sherloc (09022015). Collection method: clinical testing. Allele origin: germline.
Comment: This variant has not been reported in the literature in individuals affected with RNF168-related conditions. This variant is not present in population databases (gnomAD no frequency). This sequence change replaces isoleucine, which is neutral and non-polar, with valine, which is neutral and non-polar, at codon 124 of the RNF168 protein (p.Ile124Val). In summary, the available evidence is currently insufficient to determine the role of this variant in disease. Therefore, it has been classified as a Variant of Uncertain Significance. An algorithm developed to predict the effect of missense changes on protein structure and function (PolyPhen-2) suggests that this variant is likely to be tolerated. ClinVar contains an entry for this variant (Variation ID: 1367015).

NM_152617.4(RNF168):c.370A>G (p.Ile124Val)

Gene: RNF168 (ring finger protein 168; minus strand). Cytogenetic location: 3q29.
Variant type: single nucleotide variant.
Coding change: c.370A>G on transcript NM_152617.4 (MANE Select); coding-DNA position 370, A replaced by G.
Protein change: p.Ile124Val; replaces isoleucine 124 with valine.
Molecular consequence: missense variant.
Genome position (GRCh38, 1-based): chr3:196,488,615, T>C on the plus strand (A>G on the coding strand, the complement: RNF168 is on the minus strand). VCF-style: chr3-196488615-T-C. GRCh37 (hg19) VCF-style: chr3-196215486-T-C.
Other names: short protein forms I124V.
Identifiers: ClinVar variation 1367015 (VCV001367015.8), dbSNP rs2108650791, ClinGen allele CA355626248.